The following is an entry in ClinVar:

NM_003738.5(PTCH2):c.1142C>T (p.Thr381Ile)

Gene: PTCH2 (patched 2; minus strand). Cytogenetic location: 1p34.1.
Variant type: single nucleotide variant.
Coding change: c.1142C>T on transcript NM_003738.5 (MANE Select); coding-DNA position 1142, C replaced by T.
Protein change: p.Thr381Ile; replaces threonine 381 with isoleucine.
Molecular consequence: missense variant.
Genome position (GRCh38, 1-based): chr1:44,829,475, G>A on the plus strand (C>T on the coding strand, the complement: PTCH2 is on the minus strand). VCF-style: chr1-44829475-G-A. GRCh37 (hg19) VCF-style: chr1-45295147-G-A.
Other names: c.1142C>T, p.Thr381Ile (NM_001166292.2); short protein forms T381I.
Identifiers: ClinVar variation 966937 (VCV000966937.10), dbSNP rs1653328317, ClinGen allele CA340104291.

ClinVar aggregate classification (germline): Uncertain significance (1 of 4 stars; one submission).

Conditions:
Gorlin syndrome. Also called: Nevoid Basal Cell Carcinoma Syndrome; Basal cell nevus syndrome. Identifiers: Orphanet 377, MedGen C0004779, MONDO:0007187.

Submission:

Labcorp Genetics (formerly Invitae), Labcorp
Classification: Uncertain significance for Gorlin syndrome. Last evaluated: 2020-01-17. Review status: criteria provided, single submitter. Criteria: Invitae Variant Classification Sherloc (09022015). Collection method: clinical testing. Allele origin: germline.
Comment: This sequence change replaces threonine with isoleucine at codon 381 of the PTCH2 protein (p.Thr381Ile). The threonine residue is moderately conserved and there is a moderate physicochemical difference between threonine and isoleucine. This variant is not present in population databases (ExAC no frequency). This variant has not been reported in the literature in individuals with PTCH2-related conditions. Algorithms developed to predict the effect of missense changes on protein structure and function are either unavailable or do not agree on the potential impact of this missense change (SIFT: "Deleterious"; PolyPhen-2: "Benign"; Align-GVGD: "Class C0"). In summary, the available evidence is currently insufficient to determine the role of this variant in disease. Therefore, it has been classified as a Variant of Uncertain Significance.